The following is an entry in ClinVar:

ClinVar aggregate classification (germline): Uncertain significance (1 of 4 stars; one submission).

Submission:

GeneDx
Classification: Uncertain significance. Last evaluated: 2023-10-25. Review status: criteria provided, single submitter. Criteria: GeneDx Variant Classification Process June 2021. Collection method: clinical testing. Allele origin: germline. Affected: yes.
Comment: Has not been previously published as pathogenic or benign to our knowledge; Not observed at significant frequency in large population cohorts (gnomAD); In silico analysis supports that this missense variant has a deleterious effect on protein structure/function

NM_198503.5(KCNT2):c.2413A>G (p.Ser805Gly)

Gene: KCNT2 (potassium sodium-activated channel subfamily T member 2; minus strand). Cytogenetic location: 1q31.3.
Variant type: single nucleotide variant.
Coding change: c.2413A>G on transcript NM_198503.5 (MANE Select); coding-DNA position 2413, A replaced by G.
Protein change: p.Ser805Gly; replaces serine 805 with glycine.
Molecular consequence: missense variant. On other transcripts: non-coding transcript variant (2).
Genome position (GRCh38, 1-based): chr1:196,315,962, T>C on the plus strand (A>G on the coding strand, the complement: KCNT2 is on the minus strand). VCF-style: chr1-196315962-T-C. GRCh37 (hg19) VCF-style: chr1-196285092-T-C.
Other names: c.2341A>G, p.Ser781Gly (NM_001287819.3); c.2191A>G, p.Ser731Gly (NM_001287820.3); short protein forms S731G, S781G, S805G.
Identifiers: ClinVar variation 3363222 (VCV003363222.1).
Genomic context (GRCh38, chr1:196,315,962, plus strand): 5'-TCTGCACGTTCACAATGGTTTTGGCATCTGCCATGTAGTCTTCCTCGGCACTCATGGTGC[T>C]CTCTTTATCCACAACCACCATATTAGCAGCAAAAGTCACTCCACACCTGAGTAAGTCATC-3'
Protein context (NP_940905.2, residues 795-815): AANMVVVDKE[Ser805Gly]TMSAEEDYMA